The following is an entry in ClinVar:

NM_001267550.2(TTN):c.78295A>G (p.Met26099Val)

Genes: TTN (titin; minus strand), TTN-AS1 (TTN antisense RNA 1; plus strand). Cytogenetic location: 2q31.2.
Variant type: single nucleotide variant.
Coding change: c.78295A>G on transcript NM_001267550.2 (MANE Select); coding-DNA position 78295, A replaced by G.
Protein change: p.Met26099Val; replaces methionine 26099 with valine.
Molecular consequence: missense variant.
Genome position (GRCh38, 1-based): chr2:178,567,837, T>C on the plus strand (A>G on the coding strand, the complement: TTN is on the minus strand). VCF-style: chr2-178567837-T-C. GRCh37 (hg19) VCF-style: chr2-179432564-T-C.
Other names: c.73372A>G, p.Met24458Val (NM_001256850.1); c.51100A>G, p.Met17034Val (NM_003319.4); c.70591A>G, p.Met23531Val (NM_133378.4); c.51475A>G, p.Met17159Val (NM_133432.3); c.51676A>G, p.Met17226Val (NM_133437.4); short protein forms M23531V, M26099V, M17034V, M17159V, M24458V, M17226V.
Identifiers: ClinVar variation 1745410 (VCV001745410.3), dbSNP rs374376033, ClinGen allele CA1989628.

ClinVar aggregate classification (germline): Uncertain significance. Review status: criteria provided, multiple submitters, no conflicts (2 of 4 stars). 2 submissions from 2 submitters: Uncertain significance (2). Last evaluated 2026-05-27.

Conditions:
TTN-related disorder. Also called: TTN-related disorders; TTN-related condition; TTN-related disease.
Cardiovascular phenotype. Identifiers: MedGen CN230736.

Allele frequency attached by ClinVar (database versions not stated): gnomAD exomes below 0.00001; ExAC 0.00001; ESP Exome Variant Server 0.00008.
gnomAD v4.1: 12 of 1,613,422 alleles (0.00074%); highest among the groups gnomAD compares: African/African-American, 0.016%; no homozygotes.

Submissions (2):

PreventionGenetics, part of Exact Sciences
Classification: Uncertain significance for TTN-related condition. Last evaluated: 2026-05-27. Review status: criteria provided, single submitter. Criteria: ACMG Guidelines, 2015. Collection method: clinical testing. Allele origin: germline.
Comment: The TTN c.78295A>G variant is predicted to result in the amino acid substitution p.Met26099Val. To our knowledge, this variant has not been reported in the literature. This variant is reported in 0.012% of alleles in individuals of African descent in gnomAD. At this time, the clinical significance of this variant is uncertain due to the absence of conclusive functional and genetic evidence.

Ambry Genetics
Classification: Uncertain significance for Cardiovascular phenotype. Last evaluated: 2019-11-26. Review status: criteria provided, single submitter. Criteria: Ambry Variant Classification Scheme 2023. Collection method: clinical testing. Allele origin: germline.
Comment: The p.M17034V variant (also known as c.51100A>G), located in coding exon 153 of the TTN gene, results from an A to G substitution at nucleotide position 51100. The methionine at codon 17034 is replaced by valine, an amino acid with highly similar properties. This amino acid position is poorly conserved in available vertebrate species. In addition, this alteration is predicted to be tolerated by in silico analysis. Since supporting evidence is limited at this time, the clinical significance of this alteration remains unclear.